The following is an entry in ClinVar:

ClinVar aggregate classification (germline): Pathogenic (1 of 4 stars; one submission).

Conditions:
Alagille syndrome due to a JAG1 point mutation. Also called: Alagille Syndrome 1; HEPATIC DUCTULAR HYPOPLASIA, SYNDROMATIC; JAG1-Related Alagille Syndrome. Identifiers: Orphanet 261619, Orphanet 52, MedGen C1956125, MONDO:0016862, OMIM 118450.

Submission:

Labcorp Genetics (formerly Invitae), Labcorp
Classification: Pathogenic for Alagille syndrome due to a JAG1 point mutation. Last evaluated: 2021-11-04. Review status: criteria provided, single submitter. Criteria: Invitae Variant Classification Sherloc (09022015). Collection method: clinical testing. Allele origin: germline.
Comment: For these reasons, this variant has been classified as Pathogenic. This variant has not been reported in the literature in individuals affected with JAG1-related conditions. This variant is not present in population databases (gnomAD no frequency). This sequence change creates a premature translational stop signal (p.Gly737*) in the JAG1 gene. It is expected to result in an absent or disrupted protein product. Loss-of-function variants in JAG1 are known to be pathogenic (PMID: 11180599).

Literature cited by the submitters: PubMed 11180599.

NM_000214.3(JAG1):c.2209G>T (p.Gly737Ter)

Gene: JAG1 (jagged canonical Notch ligand 1; minus strand). Cytogenetic location: 20p12.2.
Variant type: single nucleotide variant.
Coding change: c.2209G>T on transcript NM_000214.3 (MANE Select); coding-DNA position 2209, G replaced by T.
Protein change: p.Gly737Ter; replaces glycine 737 with a stop codon.
Molecular consequence: nonsense.
Genome position (GRCh38, 1-based): chr20:10,645,161, C>A on the plus strand (G>T on the coding strand, the complement: JAG1 is on the minus strand). VCF-style: chr20-10645161-C-A. GRCh37 (hg19) VCF-style: chr20-10625809-C-A.
Other names: short protein forms G737*.
Identifiers: ClinVar variation 1360035 (VCV001360035.6), dbSNP rs2122602893, ClinGen allele CA408235138.